The following is an entry in ClinVar:

NM_000059.4(BRCA2):c.2711G>A (p.Gly904Glu)

Gene: BRCA2 (BRCA2 DNA repair associated; plus strand). Cytogenetic location: 13q13.1.
Variant type: single nucleotide variant.
Coding change: c.2711G>A on transcript NM_000059.4 (MANE Select); coding-DNA position 2711, G replaced by A.
Protein change: p.Gly904Glu; replaces glycine 904 with glutamic acid.
Molecular consequence: missense variant.
Genome position (GRCh38, 1-based): chr13:32,337,066, G>A. VCF-style: chr13-32337066-G-A. GRCh37 (hg19) VCF-style: chr13-32911203-G-A.
Other names: short protein forms G904E.
Identifiers: ClinVar variation 462274 (VCV000462274.11), dbSNP rs1555282808, ClinGen allele CA387773533.

ClinVar aggregate classification (germline): Conflicting classifications of pathogenicity. Review status: criteria provided, conflicting classifications (1 of 4 stars). 3 submissions from 3 submitters: Uncertain significance (1); Likely benign (2). Last evaluated 2024-11-06.

Conditions:
Hereditary breast ovarian cancer syndrome. Also called: Hereditary breast and ovarian cancer syndrome (HBOC); Hereditary breast and ovarian cancer syndrome; Breast and ovarian cancer; Hereditary breast and/or ovarian cancer syndrome; Hereditary breast and ovarian cancer; BRCA1- and BRCA2-Associated Hereditary Breast and Ovarian Cancer. Identifiers: Orphanet 145, MedGen C0677776, MeSH D061325, MONDO:0003582. Disease mechanism: loss of function.
Hereditary cancer-predisposing syndrome. Also called: Neoplastic Syndromes, Hereditary; Hereditary Cancer Syndrome; Hereditary neoplastic syndrome; Tumor predisposition. Identifiers: Orphanet 140162, MedGen C0027672, MeSH D009386, MONDO:0015356.

Submissions (3):

Molecular Diagnostics Laboratory, Catalan Institute of Oncology
Classification: Likely benign for Hereditary cancer-predisposing syndrome. Last evaluated: 2024-11-06. Review status: criteria provided, single submitter. Criteria: ClinGen BRCA1BRCA2 ACMG Specifications BRCA2 V1.0.0. Collection method: clinical testing. Allele origin: germline.
Comment: PM2_Supporting, BP1_Strong c.2711G>A, located in exon 11 of the BRCA2 gene, is predicted to result in the substitution of glycine by glutamic acid at codon 904, p.(Gly904Glu). This position is outside a (potentially) clinically important functional domain and, moreover, the SpliceAI algorithm predicts no significant impact on splicing (BP1_strong). It is not present in the population database gnomAD v2.1.1, non-cancer dataset (PM2_supporting). To our knowledge, neither relevant clinical data nor well-established functional studies have been reported for this variant. This variant has been reported in the ClinVar database (1x uncertain significance, 1x likely benign), it is not present in LOVD and it has not been classified in BRCA Exchange database. Based on currently available information, the variant c.2711G>A should be considered a likely bening variant, according to ClinGen ENIGMA BRCA1 and BRCA2 Expert Panel Specifications to the ACMG/AMP Variant Interpretation Guidelines for BRCA2 Version 1.0.0.

University of Washington Department of Laboratory Medicine, University of Washington
Classification: Likely benign for Hereditary cancer-predisposing syndrome. Last evaluated: 2023-03-23. Review status: criteria provided, single submitter. Criteria: Dines et al. (Genet Med. 2020). Collection method: curation. Allele origin: germline.
Comment: Missense variant in a coldspot region where missense variants are very unlikely to be pathogenic (PMID:31911673).

BRCA2 exon 11 coldspot. Reclassification based on statistical prior probability.

Labcorp Genetics (formerly Invitae), Labcorp
Classification: Uncertain significance for Hereditary breast ovarian cancer syndrome. Last evaluated: 2017-12-17. Review status: criteria provided, single submitter. Criteria: Invitae Variant Classification Sherloc (09022015). Collection method: clinical testing. Allele origin: germline.
Comment: This sequence change replaces glycine with glutamic acid at codon 904 of the BRCA2 protein (p.Gly904Glu). The glycine residue is weakly conserved and there is a moderate physicochemical difference between glycine and glutamic acid. This variant is not present in population databases (ExAC no frequency) and has not been reported in the literature in individuals with a BRCA2-related disease. Algorithms developed to predict the effect of missense changes on protein structure and function output the following: SIFT: "Tolerated"; PolyPhen-2: "Benign"; Align-GVGD: "Class C0". The glutamic acid amino acid residue is found in multiple mammalian species, suggesting that this missense change does not adversely affect protein function. These predictions have not been confirmed by published functional studies. In summary, this variant is a novel missense change that is not predicted to affect protein function. There is no indication that it causes disease, but the available evidence is currently insufficient to prove that conclusively. Therefore, it has been classified as a Variant of Uncertain Significance.